The following is an entry in ClinVar:

ClinVar aggregate classification (germline): Uncertain significance. Review status: criteria provided, multiple submitters, no conflicts (2 of 4 stars). 2 submissions from 2 submitters: Uncertain significance (2). Last evaluated 2026-01-18.

Allele frequency attached by ClinVar (database versions not stated): gnomAD exomes below 0.00001; TOPMed 0.00001.
gnomAD v4.1: 3 of 1,612,794 alleles (0.00019%); highest among the groups gnomAD compares: Non-Finnish European, 0.00017%; no homozygotes.

Submissions (2):

Labcorp Genetics (formerly Invitae), Labcorp
Classification: Uncertain significance. Last evaluated: 2026-01-18. Review status: criteria provided, single submitter. Criteria: Invitae Variant Classification Sherloc (09022015). Collection method: clinical testing. Allele origin: germline.
Comment: This sequence change replaces threonine, which is neutral and polar, with isoleucine, which is neutral and non-polar, at codon 448 of the ADGRA3 protein (p.Thr448Ile). This variant is present in population databases (no rsID available, gnomAD 0.0009%). This variant has not been reported in the literature in individuals affected with ADGRA3-related conditions. ClinVar contains an entry for this variant (Variation ID: 1376739). An algorithm developed to predict the effect of missense changes on protein structure and function (PolyPhen-2) suggests that this variant is likely to be disruptive. In summary, the available evidence is currently insufficient to determine the role of this variant in disease. Therefore, it has been classified as a Variant of Uncertain Significance.

Breakthrough Genomics
Classification: Uncertain significance. Review status: criteria provided, single submitter. Criteria: ACMG Guidelines, 2015. Collection method: not provided. Allele origin: germline. Inheritance: Unknown mechanism. Affected: yes.

NM_145290.4(ADGRA3):c.1343C>T (p.Thr448Ile)

Gene: ADGRA3 (adhesion G protein-coupled receptor A3; minus strand). Cytogenetic location: 4p15.2.
Variant type: single nucleotide variant.
Coding change: c.1343C>T on transcript NM_145290.4 (MANE Select); coding-DNA position 1343, C replaced by T.
Protein change: p.Thr448Ile; replaces threonine 448 with isoleucine.
Molecular consequence: missense variant.
Genome position (GRCh38, 1-based): chr4:22,435,411, G>A on the plus strand (C>T on the coding strand, the complement: ADGRA3 is on the minus strand). VCF-style: chr4-22435411-G-A. GRCh37 (hg19) VCF-style: chr4-22437034-G-A.
Other names: short protein forms T448I.
Identifiers: ClinVar variation 1376739 (VCV001376739.7), dbSNP rs1042820988, ClinGen allele CA93527226.
Genomic context (GRCh38, chr4:22,435,411, plus strand): 5'-TCAATCATTTCTGCCACAAATATAACATCCATTTTGTCAGAAAAGTTGGCTGCTTCCACA[G>A]TGTAAGCCAGTAACTGTCGAGCTGTTGCCACGGCATTGGTAAGATTGAGGGGCATCTACA-3'
Protein context (NP_660333.2, residues 438-458): VATARQLLAY[Thr448Ile]VEAANFSDKM